The following is an entry in ClinVar:

ClinVar aggregate classification (germline): Uncertain significance. Review status: criteria provided, multiple submitters, no conflicts (2 of 4 stars). 2 submissions from 2 submitters: Uncertain significance (2). Last evaluated 2025-06-10.

Conditions:
Familial thoracic aortic aneurysm and aortic dissection (TAAD). Also called: Thoracic aortic aneurysms and dissections. Identifiers: Orphanet 91387, MedGen C4707243, MONDO:0019625.

gnomAD v4.1: 1 of 1,613,846 alleles (0.000062%); highest among the groups gnomAD compares: African/African-American, 0.0013%; no homozygotes.

Submissions (2):

Ambry Genetics
Classification: Uncertain significance for Familial thoracic aortic aneurysm and aortic dissection. Last evaluated: 2025-06-10. Review status: criteria provided, single submitter. Criteria: Ambry Variant Classification Scheme 2023. Collection method: clinical testing. Allele origin: germline.
Comment: The p.V69A variant (also known as c.206T>C), located in coding exon 1 of the MYH11 gene, results from a T to C substitution at nucleotide position 206. The valine at codon 69 is replaced by alanine, an amino acid with similar properties. This amino acid position is conserved. In addition, this alteration is predicted to be tolerated by in silico analysis. Based on the available evidence, the clinical significance of this variant remains unclear.

All of Us Research Program, National Institutes of Health
Classification: Uncertain significance for Familial thoracic aortic aneurysm and aortic dissection. Last evaluated: 2024-02-22. Review status: criteria provided, single submitter. Criteria: ACMG Guidelines, 2015. Collection method: clinical testing. Allele origin: germline. Inheritance: Autosomal dominant inheritance. Observed: 1 variant allele, 1 heterozygote.
Comment: This missense variant replaces valine with alanine at codon 69 of the MYH11 protein. Computational prediction tools indicate that this variant has a neutral impact on protein structure and function. To our knowledge, functional studies have not been reported for this variant. This variant has not been reported in individuals affected with MYH11-related disorders in the literature. This variant has been identified in 1/251492 chromosomes in the general population by the Genome Aggregation Database (gnomAD). The available evidence is insufficient to determine the role of this variant in disease conclusively. Therefore, this variant is classified as a Variant of Uncertain Significance.

This study involves interpretation of variants in research participants for the purpose of population health screening. Participant phenotype was not available at the time of variant classification. Additional details can be found in publication PMID: 35346344, PMCID: PMC8962531

NM_002474.3(MYH11):c.206T>C (p.Val69Ala)

Gene: MYH11 (myosin heavy chain 11; minus strand). Cytogenetic location: 16p13.11.
Variant type: single nucleotide variant.
Coding change: c.206T>C on transcript NM_002474.3 (MANE Select); coding-DNA position 206, T replaced by C.
Protein change: p.Val69Ala; replaces valine 69 with alanine.
Molecular consequence: missense variant.
Genome position (GRCh38, 1-based): chr16:15,838,047, A>G on the plus strand (T>C on the coding strand, the complement: MYH11 is on the minus strand). VCF-style: chr16-15838047-A-G. GRCh37 (hg19) VCF-style: chr16-15931904-A-G.
Other names: c.206T>C, p.Val69Ala (NM_001040113.2, NM_001040114.2, NM_022844.3); c.206T>C (NM_002474.2); short protein forms V69A.
Identifiers: ClinVar variation 3387266 (VCV003387266.2).